The following is an entry in ClinVar:

ClinVar aggregate classification (germline): Uncertain significance (1 of 4 stars; one submission).

Conditions:
CHARGE syndrome (CHARGE). Also called: Hittner Hirsch Kreh syndrome; CHARGE ASSOCIATION--COLOBOMA, HEART ANOMALY, CHOANAL ATRESIA, RETARDATION, GENITAL AND EAR ANOMALIES; Coloboma, heart anomaly, choanal atresia, retardation, genital and ear anomalies; CHARGE association; Hall-Hittner syndrome. Identifiers: Orphanet 138, MedGen C0265354, MONDO:0008965.

Submission:

Labcorp Genetics (formerly Invitae), Labcorp
Classification: Uncertain significance for CHARGE syndrome. Last evaluated: 2023-12-18. Review status: criteria provided, single submitter. Criteria: Invitae Variant Classification Sherloc (09022015). Collection method: clinical testing. Allele origin: germline.
Comment: This sequence change replaces proline, which is neutral and non-polar, with serine, which is neutral and polar, at codon 1688 of the CHD7 protein (p.Pro1688Ser). This variant is not present in population databases (gnomAD no frequency). This variant has not been reported in the literature in individuals affected with CHD7-related conditions. Advanced modeling of protein sequence and biophysical properties (such as structural, functional, and spatial information, amino acid conservation, physicochemical variation, residue mobility, and thermodynamic stability) performed at Invitae indicates that this missense variant is expected to disrupt CHD7 protein function with a positive predictive value of 95%. In summary, the available evidence is currently insufficient to determine the role of this variant in disease. Therefore, it has been classified as a Variant of Uncertain Significance.

NM_017780.4(CHD7):c.5062C>T (p.Pro1688Ser)

Gene: CHD7 (chromodomain helicase DNA binding protein 7; plus strand). Cytogenetic location: 8q12.2.
Variant type: single nucleotide variant.
Coding change: c.5062C>T on transcript NM_017780.4 (MANE Select); coding-DNA position 5062, C replaced by T.
Protein change: p.Pro1688Ser; replaces proline 1688 with serine.
Molecular consequence: missense variant. On other transcripts: intron variant (1).
Genome position (GRCh38, 1-based): chr8:60,845,261, C>T. VCF-style: chr8-60845261-C-T. GRCh37 (hg19) VCF-style: chr8-61757820-C-T.
Other names: c.1717-16968C>T (NM_001316690.1); short protein forms P1688S.
Identifiers: ClinVar variation 2806008 (VCV002806008.3), dbSNP rs2487974069, ClinGen allele CA371320254.